The following is an entry in ClinVar:

ClinVar aggregate classification (germline): Benign (0 of 4 stars; one submission).

Conditions:
MUC16-related disorder. Also called: MUC16-related condition.

Allele frequency attached by ClinVar (database versions not stated): 1000 Genomes Project 30x 0.18598; 1000 Genomes Project 0.18750; TOPMed 0.23911; gnomAD 0.24629; ESP Exome Variant Server 0.25946.

Submission:

PreventionGenetics, part of Exact Sciences
Classification: Benign for MUC16-related condition. Last evaluated: 2024-06-26. Review status: no assertion criteria provided. Collection method: clinical testing. Allele origin: germline.
Comment: This variant is classified as benign based on ACMG/AMP sequence variant interpretation guidelines (Richards et al. 2015 PMID: 25741868, with internal and published modifications).

NM_001401501.2(MUC16):c.32355G>C (p.Gly10785=)

Gene: MUC16 (mucin 16, cell surface associated; minus strand). Cytogenetic location: 19p13.2.
Variant type: single nucleotide variant.
Coding change: c.32355G>C on transcript NM_001401501.2 (MANE Select); coding-DNA position 32355, G replaced by C.
Protein change: p.Gly10785=; no amino-acid change (glycine 10785 retained).
Molecular consequence: synonymous variant.
Genome position (GRCh38, 1-based): chr19:8,938,720, C>G on the plus strand (G>C on the coding strand, the complement: MUC16 is on the minus strand). VCF-style: chr19-8938720-C-G. GRCh37 (hg19) VCF-style: chr19-9049396-C-G.
Other names: c.32781G>C, p.Gly10927= (NM_001414686.1); c.32235G>C, p.Gly10745= (NM_001414687.1, NM_024690.2).
Identifiers: ClinVar variation 3060571 (VCV003060571.2), dbSNP rs10425044, ClinGen allele CA9166694.